The following is an entry in ClinVar:

ClinVar aggregate classification (germline): Likely benign. Review status: criteria provided, multiple submitters, no conflicts (2 of 4 stars). 2 submissions from 2 submitters: Likely benign (2). Last evaluated 2025-11-18.

Conditions:
Marfan syndrome (MFS). Also called: MARFAN SYNDROME, TYPE I; Marfan syndrome type 1; Marfan's syndrome; FBN1-Related Marfan Syndrome; Marfan syndrome, classic. Identifiers: Orphanet 284963, Orphanet 558, MedGen C0024796, MONDO:0007947, OMIM 154700.
Familial thoracic aortic aneurysm and aortic dissection (TAAD). Also called: Thoracic aortic aneurysms and dissections. Identifiers: Orphanet 91387, MedGen C4707243, MONDO:0019625.

Submissions (2):

Labcorp Genetics (formerly Invitae), Labcorp
Classification: Likely benign for Marfan syndrome; Familial thoracic aortic aneurysm and aortic dissection. Last evaluated: 2025-11-18. Review status: criteria provided, single submitter. Criteria: Invitae Variant Classification Sherloc (09022015). Collection method: clinical testing. Allele origin: germline.

All of Us Research Program, National Institutes of Health
Classification: Likely benign for Marfan syndrome. Last evaluated: 2024-06-09. Review status: criteria provided, single submitter. Criteria: ACMG Guidelines, 2015. Collection method: clinical testing. Allele origin: germline. Inheritance: Autosomal dominant inheritance. Observed: 1 variant allele, 1 heterozygote.
Comment: This study involves interpretation of variants in research participants for the purpose of population health screening. Participant phenotype was not available at the time of variant classification. Additional details can be found in publication PMID: 35346344, PMCID: PMC8962531

NM_000138.5(FBN1):c.954T>G (p.Gly318=)

Gene: FBN1 (fibrillin 1; minus strand). Cytogenetic location: 15q21.1.
Variant type: single nucleotide variant.
Coding change: c.954T>G on transcript NM_000138.5 (MANE Select); coding-DNA position 954, T replaced by G.
Protein change: p.Gly318=; no amino-acid change (glycine 318 retained).
Molecular consequence: synonymous variant.
Genome position (GRCh38, 1-based): chr15:48,526,164, A>C on the plus strand (T>G on the coding strand, the complement: FBN1 is on the minus strand). VCF-style: chr15-48526164-A-C. GRCh37 (hg19) VCF-style: chr15-48818361-A-C.
Other names: c.954T>G, p.Gly318= (NM_001406716.1).
Identifiers: ClinVar variation 3386862 (VCV003386862.2).